The following is an entry in ClinVar:

ClinVar aggregate classification (germline): Likely benign. Review status: criteria provided, single submitter (1 of 4 stars). 2 submissions from 2 submitters: Likely benign (1). 1 of the submissions does not count toward it. Last evaluated 2018-02-06.

Conditions:
COQ9-related disorder. Also called: COQ9-related condition.

Allele frequency attached by ClinVar (database versions not stated): gnomAD 0.00001; gnomAD exomes 0.00001 and 0.00002; TOPMed 0.00001.
gnomAD v4.1: 30 of 1,612,486 alleles (0.0019%); highest among the groups gnomAD compares: African/African-American, 0.0027%; no homozygotes.

Submissions (2):

GeneDx
Classification: Likely benign. Last evaluated: 2018-02-06. Review status: criteria provided, single submitter. Criteria: GeneDx Variant Classification (06012015). Collection method: clinical testing. Allele origin: germline. Affected: yes.
Comment: This variant is considered likely benign or benign based on one or more of the following criteria: it is a conservative change, it occurs at a poorly conserved position in the protein, it is predicted to be benign by multiple in silico algorithms, and/or has population frequency not consistent with disease.

PreventionGenetics, part of Exact Sciences
Classification: Likely benign for COQ9-related condition. Last evaluated: 2020-02-17. Review status: no assertion criteria provided. Collection method: clinical testing. Allele origin: germline. Not counted in ClinVar's aggregate classification.
Comment: This variant is classified as likely benign based on ACMG/AMP sequence variant interpretation guidelines (Richards et al. 2015 PMID: 25741868, with internal and published modifications).

NM_020312.4(COQ9):c.521+9C>A

Gene: COQ9 (coenzyme Q9; plus strand). Cytogenetic location: 16q21.
Variant type: single nucleotide variant.
Coding change: c.521+9C>A on transcript NM_020312.4 (MANE Select); 9 bases into the intron after coding-DNA position 521, C replaced by A.
Molecular consequence: intron variant.
Genome position (GRCh38, 1-based): chr16:57,456,655, C>A. VCF-style: chr16-57456655-C-A. GRCh37 (hg19) VCF-style: chr16-57490567-C-A.
Other names: c.521+9C>A (NM_020312.3).
Identifiers: ClinVar variation 514783 (VCV000514783.3), dbSNP rs749598554, ClinGen allele CA281551328.
Genomic context (GRCh38, chr16:57,456,655, plus strand): 5'-TCACACGTGTGCTAGAAGAGGAGCAGAAGCTGGTACAGTTGGGCCAGGCGGAGTAAGTCC[C>A]ATGGCATTACTACTCAGGGTGGCAGCTAAGGATCAGGGAACTTGGGCCCTACCAGCTATG-3'